The following is an entry in ClinVar:

ClinVar aggregate classification (germline): Uncertain significance (1 of 4 stars; one submission).

Allele frequency attached by ClinVar (database versions not stated): gnomAD 0.00001; gnomAD exomes 0.00002; ExAC 0.00003; TOPMed 0.00003.

Submission:

Labcorp Genetics (formerly Invitae), Labcorp
Classification: Uncertain significance. Last evaluated: 2024-11-27. Review status: criteria provided, single submitter. Criteria: Invitae Variant Classification Sherloc (09022015). Collection method: clinical testing. Allele origin: germline.
Comment: This sequence change replaces asparagine, which is neutral and polar, with serine, which is neutral and polar, at codon 525 of the RELA protein (p.Asn525Ser). This variant is present in population databases (rs746519095, gnomAD 0.007%). This variant has not been reported in the literature in individuals affected with RELA-related conditions. ClinVar contains an entry for this variant (Variation ID: 2902841). An algorithm developed to predict the effect of missense changes on protein structure and function (PolyPhen-2) suggests that this variant is likely to be tolerated. In summary, the available evidence is currently insufficient to determine the role of this variant in disease. Therefore, it has been classified as a Variant of Uncertain Significance.

NM_021975.4(RELA):c.1574A>G (p.Asn525Ser)

Gene: RELA (RELA proto-oncogene, NF-kB subunit; minus strand). Cytogenetic location: 11q13.1.
Variant type: single nucleotide variant.
Coding change: c.1574A>G on transcript NM_021975.4 (MANE Select); coding-DNA position 1574, A replaced by G.
Protein change: p.Asn525Ser; replaces asparagine 525 with serine.
Molecular consequence: missense variant.
Genome position (GRCh38, 1-based): chr11:65,654,460, T>C on the plus strand (A>G on the coding strand, the complement: RELA is on the minus strand). VCF-style: chr11-65654460-T-C. GRCh37 (hg19) VCF-style: chr11-65421931-T-C.
Other names: c.1565A>G, p.Asn522Ser (NM_001145138.2); c.1367A>G, p.Asn456Ser (NM_001243984.2); c.1265A>G, p.Asn422Ser (NM_001243985.2); c.1607A>G, p.Asn536Ser (NM_001404657.1); c.1547A>G, p.Asn516Ser (NM_001404658.1); c.1361A>G, p.Asn454Ser (NM_001404659.1); c.1256A>G, p.Asn419Ser (NM_001404660.1); c.1193A>G, p.Asn398Ser (NM_001404661.1); and 1 more; short protein forms N422S, N419S, N516S, N522S, N525S, N536S, N398S, N454S.
Identifiers: ClinVar variation 2902841 (VCV002902841.3), dbSNP rs746519095, ClinGen allele CA6106575.
Genomic context (GRCh38, chr11:65,654,460, plus strand): 5'-AGGGCTGAGAAGTCCATGTCCGCAATGGAGGAGAAGTCTTCATCTCCTGAAAGGAGGCCA[T>C]TGGGGAGCCCCGGGGCCCCCAGTGGAGCAGGAGCTGGGTCGGGGGGCCTCTGGGCCCCTG-3'
Protein context (NP_068810.3, residues 515-535): PAPLGAPGLP[Asn525Ser]GLLSGDEDFS